The following is an entry in ClinVar:

NM_020717.5(SHROOM4):c.2750T>G (p.Met917Arg)

Gene: SHROOM4 (shroom family member 4; minus strand). Cytogenetic location: Xp11.22.
Variant type: single nucleotide variant.
Coding change: c.2750T>G on transcript NM_020717.5 (MANE Select); coding-DNA position 2750, T replaced by G.
Protein change: p.Met917Arg; replaces methionine 917 with arginine.
Molecular consequence: missense variant. On other transcripts: non-coding transcript variant (4).
Genome position (GRCh38, 1-based): chrX:50,633,323, A>C on the plus strand (T>G on the coding strand, the complement: SHROOM4 is on the minus strand). VCF-style: chrX-50633323-A-C. GRCh37 (hg19) VCF-style: chrX-50376323-A-C.
Other names: short protein forms M917R.
Identifiers: ClinVar variation 3033561 (VCV003033561.2), dbSNP rs2519333148, ClinGen allele CA413113720.

ClinVar aggregate classification (germline): Uncertain significance (0 of 4 stars; one submission).

Conditions:
SHROOM4-related disorder. Also called: SHROOM4-related condition.

Submission:

PreventionGenetics, part of Exact Sciences
Classification: Uncertain significance for SHROOM4-related condition. Last evaluated: 2024-01-29. Review status: no assertion criteria provided. Collection method: clinical testing. Allele origin: germline.
Comment: The SHROOM4 c.2750T>G variant is predicted to result in the amino acid substitution p.Met917Arg. To our knowledge, this variant has not been reported in the literature or in a large population database, indicating this variant is rare. At this time, the clinical significance of this variant is uncertain due to the absence of conclusive functional and genetic evidence.